The following is an entry in ClinVar:

ClinVar aggregate classification (germline): Uncertain significance (1 of 4 stars; one submission).

Submission:

Labcorp Genetics (formerly Invitae), Labcorp
Classification: Uncertain significance. Last evaluated: 2022-03-02. Review status: criteria provided, single submitter. Criteria: Invitae Variant Classification Sherloc (09022015). Collection method: clinical testing. Allele origin: germline.
Comment: In summary, the available evidence is currently insufficient to determine the role of this variant in disease. Therefore, it has been classified as a Variant of Uncertain Significance. This variant has not been reported in the literature in individuals affected with B4GALT7-related conditions. This variant results in a copy number gain of the genomic region encompassing exon(s) 2-6 of the B4GALT7 gene. This region includes the termination codon of the gene. This copy number gain extends beyond the assayed region for this gene and therefore may encompass additional genes. As the precise location of this event is unknown, it may be in tandem or it may be located elsewhere in the genome.

NC_000005.9:g.(?_177031160)_(178414004_?)dup

Genes: B4GALT7 (beta-1,4-galactosyltransferase 7; plus strand), CLK4 (CDC like kinase 4; minus strand), COL23A1 (collagen type XXIII alpha 1 chain; minus strand), FAM153A (family with sequence similarity 153 member A; minus strand), GRM6 (glutamate metabotropic receptor 6; minus strand) and 10 more. Cytogenetic location: 5q35.3.
Variant type: Duplication.
Identifiers: ClinVar variation 2425705 (VCV002425705.5).